The following is an entry in ClinVar:

NM_018122.5(DARS2):c.509G>A (p.Arg170Gln)

Gene: DARS2 (aspartyl-tRNA synthetase 2, mitochondrial; plus strand). Cytogenetic location: 1q25.1.
Variant type: single nucleotide variant.
Coding change: c.509G>A on transcript NM_018122.5 (MANE Select); coding-DNA position 509, G replaced by A.
Protein change: p.Arg170Gln; replaces arginine 170 with glutamine.
Molecular consequence: missense variant.
Genome position (GRCh38, 1-based): chr1:173,833,392, G>A. VCF-style: chr1-173833392-G-A. GRCh37 (hg19) VCF-style: chr1-173802530-G-A.
Other names: c.509G>A, p.Arg170Gln (NM_001365212.1, NM_001365213.2); short protein forms R170Q.
Identifiers: ClinVar variation 451749 (VCV000451749.2), dbSNP rs759658461, ClinGen allele CA1250158.

ClinVar aggregate classification (germline): Uncertain significance (1 of 4 stars; one submission).

Allele frequency attached by ClinVar (database versions not stated): ExAC 0.00001; gnomAD 0.00001; gnomAD exomes 0.00002.
gnomAD v4.1: 13 of 1,607,662 alleles (0.00081%); highest among the groups gnomAD compares: East Asian, 0.0045%; no homozygotes.

Submission:

GeneDx
Classification: Uncertain significance. Last evaluated: 2017-09-06. Review status: criteria provided, single submitter. Criteria: GeneDx Variant Classification (06012015). Collection method: clinical testing. Allele origin: germline. Affected: yes.
Comment: The R170Q variant in the DARS2 gene has not been reported previously as a pathogenic variant, nor as a benign variant, to our knowledge. The R170Q variant is not observed in large population cohorts (Lek et al., 2016; 1000 Genomes Consortium et al., 2015; Exome Variant Server). The R170Q variant is a semi-conservative amino acid substitution, which may impact secondary protein structure as these residues differ in some properties. This substitution occurs at a position that is conserved across species. In silico analysis predicts this variant is probably damaging to the protein structure/function. We interpret R170Q as a variant of uncertain significance.